The following is an entry in ClinVar:

NM_000143.4(FH):c.941C>G (p.Ala314Gly)

Gene: FH (fumarate hydratase; minus strand). Cytogenetic location: 1q43.
Variant type: single nucleotide variant.
Coding change: c.941C>G on transcript NM_000143.4 (MANE Select); coding-DNA position 941, C replaced by G.
Protein change: p.Ala314Gly; replaces alanine 314 with glycine.
Molecular consequence: missense variant.
Genome position (GRCh38, 1-based): chr1:241,504,209, G>C on the plus strand (C>G on the coding strand, the complement: FH is on the minus strand). VCF-style: chr1-241504209-G-C. GRCh37 (hg19) VCF-style: chr1-241667509-G-C.
Other names: short protein forms A314G.
Identifiers: ClinVar variation 1045525 (VCV001045525.10), dbSNP rs1659856002, ClinGen allele CA345438363.

ClinVar aggregate classification (germline): Uncertain significance. Review status: criteria provided, multiple submitters, no conflicts (2 of 4 stars). 2 submissions from 2 submitters: Uncertain significance (2). Last evaluated 2025-03-04.

Submissions (3):

Center for Genomic Medicine, Rigshospitalet, Copenhagen University Hospital
Classification: Uncertain significance. Last evaluated: 2025-03-04. Review status: criteria provided, single submitter. Criteria: ACMG Guidelines, 2015. Collection method: clinical testing. Allele origin: germline.

Labcorp Genetics (formerly Invitae), Labcorp
Classification: Uncertain significance. Last evaluated: 2023-01-16. Review status: criteria provided, single submitter. Criteria: Invitae Variant Classification Sherloc (09022015). Collection method: clinical testing. Allele origin: germline.
Comment: In summary, the available evidence is currently insufficient to determine the role of this variant in disease. Therefore, it has been classified as a Variant of Uncertain Significance. Advanced modeling of protein sequence and biophysical properties (such as structural, functional, and spatial information, amino acid conservation, physicochemical variation, residue mobility, and thermodynamic stability) has been performed at Invitae for this missense variant, however the output from this modeling did not meet the statistical confidence thresholds required to predict the impact of this variant on FH protein function. ClinVar contains an entry for this variant (Variation ID: 1045525). This variant has not been reported in the literature in individuals affected with FH-related conditions. This variant is not present in population databases (gnomAD no frequency). This sequence change replaces alanine, which is neutral and non-polar, with glycine, which is neutral and non-polar, at codon 314 of the FH protein (p.Ala314Gly).

Blake Wilde Laboratory, Roswell Park Comprehensive Cancer Center
No classification provided (evidence only). Condition: Hereditary leiomyomatosis and renal cell cancer. Review status: no classification provided. Collection method: in vitro. Allele origin: not applicable. Functional consequence: decreased enzyme activity. Not counted in ClinVar's aggregate classification.